The following is an entry in ClinVar:

NM_001035.3(RYR2):c.14366del (p.Phe4789fs)

Gene: RYR2 (ryanodine receptor 2; plus strand). Cytogenetic location: 1q43.
Variant type: Deletion.
Coding change: c.14366del on transcript NM_001035.3 (MANE Select); coding-DNA position 14366, one base deleted (T; older notation c.14366delT).
Protein change: p.Phe4789fs; shifts the reading frame from phenylalanine 4789.
Molecular consequence: frameshift variant.
Genome position (GRCh38, 1-based): chr1:237,808,968, T deleted; the last of 6 consecutive T bases (chr1:237,808,963-237,808,968); deleting any one gives the same sequence. VCF-style (leftmost placement, unchanged base first): chr1-237808962-AT-A. GRCh37 (hg19) VCF-style: chr1-237972262-AT-A.
Other names: short protein forms F4789fs.
Identifiers: ClinVar variation 3069456 (VCV003069456.1), dbSNP rs2528174844, ClinGen allele CA2825000939.
Genomic context (GRCh38, chr1:237,808,962, plus strand): 5'-TCGTATTAACCGTTGGCTTATTAGCTGTTGTTGTATACCTATACACTGTGGTGGCATTCA[AT>A]TTTTTCCGAAAATTCTACAATAAAAGTGAAGATGGTGATACACCAGATATGAAATGTGAC-3'

ClinVar aggregate classification (germline): Uncertain significance (1 of 4 stars; one submission).

Conditions:
Catecholaminergic polymorphic ventricular tachycardia (CVPT). Also called: Catecholamine-induced polymorphic ventricular tachycardia. Identifiers: Orphanet 3286, MedGen C5574922, MONDO:0017990.

Submission:

All of Us Research Program, National Institutes of Health
Classification: Uncertain significance for Catecholaminergic polymorphic ventricular tachycardia. Last evaluated: 2023-03-04. Review status: criteria provided, single submitter. Criteria: ACMG Guidelines, 2015. Collection method: clinical testing. Allele origin: germline. Inheritance: Autosomal dominant inheritance. Observed: 1 variant allele, 1 heterozygote.
Comment: This study involves interpretation of variants in research participants for the purpose of population health screening. Participant phenotype was not available at the time of variant classification. Additional details can be found in publication PMID: 35346344, PMCID: PMC8962531